The following is an entry in ClinVar:

ClinVar aggregate classification (germline): Uncertain significance. Review status: criteria provided, multiple submitters, no conflicts (2 of 4 stars). 2 submissions from 2 submitters: Uncertain significance (2). Last evaluated 2025-04-01.

Conditions:
WHRN-related disorder. Also called: WHRN-related condition.

gnomAD v4.1: 3 of 1,613,450 alleles (0.00019%); highest among the groups gnomAD compares: Admixed American, 0.0033%; no homozygotes.

Submissions (2):

Labcorp Genetics (formerly Invitae), Labcorp
Classification: Uncertain significance. Last evaluated: 2025-04-01. Review status: criteria provided, single submitter. Criteria: Invitae Variant Classification Sherloc (09022015). Collection method: clinical testing. Allele origin: germline.
Comment: This sequence change replaces tyrosine, which is neutral and polar, with cysteine, which is neutral and slightly polar, at codon 167 of the WHRN protein (p.Tyr167Cys). This variant is present in population databases (rs763509653, gnomAD 0.009%). This variant has not been reported in the literature in individuals affected with WHRN-related conditions. An algorithm developed to predict the effect of missense changes on protein structure and function (PolyPhen-2) suggests that this variant is likely to be disruptive. In summary, the available evidence is currently insufficient to determine the role of this variant in disease. Therefore, it has been classified as a Variant of Uncertain Significance.

PreventionGenetics, part of Exact Sciences
Classification: Uncertain significance for WHRN-related condition. Last evaluated: 2025-02-19. Review status: criteria provided, single submitter. Criteria: ACMG Guidelines, 2015. Collection method: clinical testing. Allele origin: germline.
Comment: The WHRN c.500A>G variant is predicted to result in the amino acid substitution p.Tyr167Cys. To our knowledge, this variant has not been reported in the literature. This variant is reported in 0.0087% of alleles in individuals of Latino descent in gnomAD. At this time, the clinical significance of this variant is uncertain due to the absence of conclusive functional and genetic evidence.

NM_015404.4(WHRN):c.500A>G (p.Tyr167Cys)

Gene: WHRN (whirlin; minus strand). Cytogenetic location: 9q32.
Variant type: single nucleotide variant.
Coding change: c.500A>G on transcript NM_015404.4 (MANE Select); coding-DNA position 500, A replaced by G.
Protein change: p.Tyr167Cys; replaces tyrosine 167 with cysteine.
Molecular consequence: missense variant.
Genome position (GRCh38, 1-based): chr9:114,504,302, T>C on the plus strand (A>G on the coding strand, the complement: WHRN is on the minus strand). VCF-style: chr9-114504302-T-C. GRCh37 (hg19) VCF-style: chr9-117266582-T-C.
Other names: c.500A>G (NM_015404.3); c.500A>G, p.Tyr167Cys (NM_001173425.2); short protein forms Y167C.
Identifiers: ClinVar variation 4693651 (VCV004693651.2).
Genomic context (GRCh38, chr9:114,504,302, plus strand): 5'-TGGTCCCCGACCCGCAGTCCTTCCTTCTCAGCTAGAGAGCCTGGTTCCACCAGAGACACG[T>C]AGATGCCCACGCCGTGCTCCGAGCCCCCACGGATGCTGAAGCCCAAGCCCTCGTGGGCCT-3'
Protein context (NP_056219.3, residues 157-177): RGGSEHGVGI[Tyr167Cys]VSLVEPGSLA